The following is an entry in ClinVar:

NM_006922.4(SCN3A):c.1737T>A (p.Ser579Arg)

Gene: SCN3A (sodium voltage-gated channel alpha subunit 3; minus strand). Cytogenetic location: 2q24.3.
Variant type: single nucleotide variant.
Coding change: c.1737T>A on transcript NM_006922.4 (MANE Select); coding-DNA position 1737, T replaced by A.
Protein change: p.Ser579Arg; replaces serine 579 with arginine.
Molecular consequence: missense variant.
Genome position (GRCh38, 1-based): chr2:165,140,933, A>T on the plus strand (T>A on the coding strand, the complement: SCN3A is on the minus strand). VCF-style: chr2-165140933-A-T. GRCh37 (hg19) VCF-style: chr2-165997443-A-T.
Other names: c.1737T>A, p.Ser579Arg (NM_001081676.2, NM_001081677.2); short protein forms S579R.
Identifiers: ClinVar variation 2631802 (VCV002631802.1), dbSNP rs2468325465, ClinGen allele CA349047011.

ClinVar aggregate classification (germline): Uncertain significance (1 of 4 stars; one submission).

Conditions:
SCN3A-related disorder. Also called: SCN3A-related condition.

Submission:

PreventionGenetics, part of Exact Sciences
Classification: Uncertain significance for SCN3A-related condition. Last evaluated: 2023-07-30. Review status: criteria provided, single submitter. Criteria: ACMG Guidelines, 2015. Collection method: clinical testing. Allele origin: germline.
Comment: The SCN3A c.1737T>A variant is predicted to result in the amino acid substitution p.Ser579Arg. To our knowledge, this variant has not been reported in the literature or in a large population database, indicating this variant is rare. At this time, the clinical significance of this variant is uncertain due to the absence of conclusive functional and genetic evidence.